The following is an entry in ClinVar:

ClinVar aggregate classification (germline): Uncertain significance (1 of 4 stars; one submission).

Conditions:
Inborn genetic diseases. Identifiers: MedGen C0950123, MeSH D030342.

Submission:

Ambry Genetics
Classification: Uncertain significance for Inborn genetic diseases. Last evaluated: 2026-06-12. Review status: criteria provided, single submitter. Criteria: Ambry Variant Classification Scheme 2023. Collection method: clinical testing. Allele origin: germline.
Comment: The p.T1010K variant (also known as c.3029C>A), located in coding exon 13 of the ASXL1 gene, results from a C to A substitution at nucleotide position 3029. The threonine at codon 1010 is replaced by lysine, an amino acid with similar properties. This amino acid position is conserved. In addition, this alteration is predicted to be tolerated by in silico analysis. Based on the available evidence, the clinical significance of this variant remains unclear.

NM_015338.6(ASXL1):c.3029C>A (p.Thr1010Lys)

Gene: ASXL1 (ASXL transcriptional regulator 1; plus strand). Cytogenetic location: 20q11.21.
Variant type: single nucleotide variant.
Coding change: c.3029C>A on transcript NM_015338.6 (MANE Select); coding-DNA position 3029, C replaced by A.
Protein change: p.Thr1010Lys; replaces threonine 1010 with lysine.
Molecular consequence: missense variant.
Genome position (GRCh38, 1-based): chr20:32,435,741, C>A. VCF-style: chr20-32435741-C-A. GRCh37 (hg19) VCF-style: chr20-31023544-C-A.
Other names: c.2846C>A, p.Thr949Lys (NM_001363734.1); short protein forms T1010K, T949K.
Identifiers: ClinVar variation 4865052 (VCV004865052.1).